The following is an entry in ClinVar:

ClinVar aggregate classification (germline): Uncertain significance. Review status: criteria provided, multiple submitters, no conflicts (2 of 4 stars). 2 submissions from 2 submitters: Uncertain significance (2). Last evaluated 2024-11-22.

gnomAD v4.1: 1 of 1,614,242 alleles (0.000062%); highest among the groups gnomAD compares: South Asian, 0.0011%; no homozygotes.

Submissions (2):

Ambry Genetics
Classification: Uncertain significance. Last evaluated: 2024-11-22. Review status: criteria provided, single submitter. Criteria: Ambry Variant Classification Scheme 2023. Collection method: clinical testing. Allele origin: germline.

Labcorp Genetics (formerly Invitae), Labcorp
Classification: Uncertain significance. Last evaluated: 2024-10-13. Review status: criteria provided, single submitter. Criteria: Invitae Variant Classification Sherloc (09022015). Collection method: clinical testing. Allele origin: germline.
Comment: This sequence change replaces lysine, which is basic and polar, with glutamic acid, which is acidic and polar, at codon 439 of the NIN protein (p.Lys439Glu). This variant is present in population databases (no rsID available, gnomAD 0.003%). This variant has not been reported in the literature in individuals affected with NIN-related conditions. An algorithm developed to predict the effect of missense changes on protein structure and function (PolyPhen-2) suggests that this variant is likely to be tolerated. In summary, the available evidence is currently insufficient to determine the role of this variant in disease. Therefore, it has been classified as a Variant of Uncertain Significance.

NM_020921.4(NIN):c.1315A>G (p.Lys439Glu)

Gene: NIN (ninein; minus strand). Cytogenetic location: 14q22.1.
Variant type: single nucleotide variant.
Coding change: c.1315A>G on transcript NM_020921.4 (MANE Select); coding-DNA position 1315, A replaced by G.
Protein change: p.Lys439Glu; replaces lysine 439 with glutamic acid.
Molecular consequence: missense variant.
Genome position (GRCh38, 1-based): chr14:50,770,507, T>C on the plus strand (A>G on the coding strand, the complement: NIN is on the minus strand). VCF-style: chr14-50770507-T-C. GRCh37 (hg19) VCF-style: chr14-51237225-T-C.
Other names: c.1315A>G, p.Lys439Glu (NM_016350.5, NM_182944.3, NM_182946.2); short protein forms K439E.
Identifiers: ClinVar variation 3405658 (VCV003405658.3).